The following is an entry in ClinVar:

ClinVar aggregate classification (germline): Uncertain significance (1 of 4 stars; one submission).

Conditions:
Cardiovascular phenotype. Identifiers: MedGen CN230736.

Submission:

Molecular Diagnostic Laboratory for Inherited Cardiovascular Disease, Montreal Heart Institute
Classification: Uncertain significance for Cardiovascular phenotype. Last evaluated: 2025-07-24. Review status: criteria provided, single submitter. Criteria: ACMG Guidelines, 2015. Collection method: clinical testing. Allele origin: germline. Affected: yes.
Comment: PVS1_mod, PM2

NM_004006.2:c.(960+1_961-5831)_(6438+65537_6439-1)dup

Gene: DMD (dystrophin; minus strand).
Variant type: Duplication.
Identifiers: ClinVar variation 4076494 (VCV004076494.1).